The following is an entry in ClinVar:

ClinVar aggregate classification (germline): Pathogenic/Likely pathogenic. Review status: criteria provided, multiple submitters, no conflicts (2 of 4 stars). 3 submissions from 3 submitters: Pathogenic (2); Likely pathogenic (1). Last evaluated 2025-11-19.

Conditions:
Usher syndrome type 2A. Also called: RETINAL DISEASE IN USHER SYNDROME TYPE IIA, MODIFIER OF; USHER SYNDROME, TYPE IIA. Identifiers: Orphanet 231178, Orphanet 886, MedGen C1848634, MONDO:0010169, OMIM 276901.
USH2A-related disorder. Also called: USH2A-related condition; USH2A-related disorders. Identifiers: MedGen CN239332.

Allele frequency attached by ClinVar (database versions not stated): gnomAD exomes below 0.00001.
gnomAD v4.1: 2 of 1,613,810 alleles (0.00012%); highest among the groups gnomAD compares: African/African-American, 0.0013%; no homozygotes.

Submissions (3):

Myriad Genetics, Inc.
Classification: Pathogenic for USH2A-related disorder. Last evaluated: 2025-11-19. Review status: criteria provided, single submitter. Criteria: Myriad Autosomal Dominant, Autosomal Recessive and X-Linked Classification Criteria (2023). Collection method: clinical testing. Allele origin: unknown.
Comment: NM_206933.2(USH2A):c.5764C>T(Q1922*) is expected to be pathogenic in the context of USH2A-related disorders. This variant is predicted to lead to an abnormal or absent protein product due to the creation of a premature termination codon in USH2A, a gene where loss-of-function variants are known to be pathogenic. Please note: this variant was assessed in the context of healthy population screening.

Natera, Inc.
Classification: Likely pathogenic for Usher syndrome type 2A. Last evaluated: 2025-09-25. Review status: criteria provided, single submitter. Criteria: Natera Variant Classification Schema (03/2026). Collection method: clinical testing. Allele origin: germline.
Comment: The c.5764C>T variant in USH2A is a nonsense variant predicted to introduce a stop codon at amino acid 1922. This variant is expected to result in nonsense mediated decay, truncation, or a dysfunctional protein product. This variant is rare in the general population with a frequency below the threshold expected for the associated phenotype(s). Given the available evidence, this variant is classified as Likely Pathogenic.

Labcorp Genetics (formerly Invitae), Labcorp
Classification: Pathogenic. Last evaluated: 2021-11-09. Review status: criteria provided, single submitter. Criteria: Invitae Variant Classification Sherloc (09022015). Collection method: clinical testing. Allele origin: germline.
Comment: This sequence change creates a premature translational stop signal (p.Gln1922*) in the USH2A gene. It is expected to result in an absent or disrupted protein product. Loss-of-function variants in USH2A are known to be pathogenic (PMID: 10729113, 10909849, 20507924, 25649381). This variant is not present in population databases (gnomAD no frequency). This variant has not been reported in the literature in individuals affected with USH2A-related conditions. ClinVar contains an entry for this variant (Variation ID: 661126). For these reasons, this variant has been classified as Pathogenic.

Literature cited by the submitters: PubMed 10729113 (cited by Labcorp Genetics (formerly Invitae), Labcorp); PubMed 10909849 (cited by Labcorp Genetics (formerly Invitae), Labcorp); PubMed 20507924 (cited by Labcorp Genetics (formerly Invitae), Labcorp); PubMed 25649381 (cited by Labcorp Genetics (formerly Invitae), Labcorp).

NM_206933.4(USH2A):c.5764C>T (p.Gln1922Ter)

Genes: USH2A (usherin; minus strand), USH2A-AS2 (USH2A antisense RNA 2; plus strand). Cytogenetic location: 1q41.
Variant type: single nucleotide variant.
Coding change: c.5764C>T on transcript NM_206933.4 (MANE Select); coding-DNA position 5764, C replaced by T.
Protein change: p.Gln1922Ter; replaces glutamine 1922 with a stop codon.
Molecular consequence: nonsense.
Genome position (GRCh38, 1-based): chr1:216,073,109, G>A on the plus strand (C>T on the coding strand, the complement: USH2A is on the minus strand). VCF-style: chr1-216073109-G-A. GRCh37 (hg19) VCF-style: chr1-216246451-G-A.
Other names: short protein forms Q1922*.
Identifiers: ClinVar variation 661126 (VCV000661126.10), dbSNP rs1571936130, ClinGen allele CA344854010.
Genomic context (GRCh38, chr1:216,073,109, plus strand): 5'-GATGAATAAGAGACATGTAACATTTAATTTAGAGGACCTCCACATTACCTGTAAAAGGCT[G>A]GAGACCACCCTCGTAAACACTCTGCTCTTTTCCCTGGTAAACCAGGATGGAGTCATTTCC-3'